The following is an entry in ClinVar:

NM_052813.5(CARD9):c.976G>C (p.Glu326Gln)

Gene: CARD9 (caspase recruitment domain family member 9; minus strand). Cytogenetic location: 9q34.3.
Variant type: single nucleotide variant.
Coding change: c.976G>C on transcript NM_052813.5 (MANE Select); coding-DNA position 976, G replaced by C.
Protein change: p.Glu326Gln; replaces glutamic acid 326 with glutamine.
Molecular consequence: missense variant.
Genome position (GRCh38, 1-based): chr9:136,369,851, C>G on the plus strand (G>C on the coding strand, the complement: CARD9 is on the minus strand). VCF-style: chr9-136369851-C-G. GRCh37 (hg19) VCF-style: chr9-139264303-C-G.
Other names: c.976G>C, p.Glu326Gln (NM_052814.4); short protein forms E326Q.
Identifiers: ClinVar variation 535811 (VCV000535811.9), dbSNP rs143669690, ClinGen allele CA5332884.

ClinVar aggregate classification (germline): Uncertain significance. Review status: criteria provided, multiple submitters, no conflicts (2 of 4 stars). 2 submissions from 2 submitters: Uncertain significance (2). Last evaluated 2022-10-26.

Conditions:
Predisposition to invasive fungal disease due to CARD9 deficiency (IMD103). Also called: CARD9 IMMUNODEFICIENCY; IMMUNODEFICIENCY 103, SUSCEPTIBILITY TO FUNGAL INFECTIONS; Candidiasis, familial, 2, autosomal recessive. Identifiers: Orphanet 457088, MedGen C1859353, MONDO:0008905, OMIM 212050.
Inborn genetic diseases. Identifiers: MedGen C0950123, MeSH D030342.

Allele frequency attached by ClinVar (database versions not stated): TOPMed 0.00009.
gnomAD v4.1: 122 of 1,612,752 alleles (0.0076%); highest among the groups gnomAD compares: Non-Finnish European, 0.0098%; no homozygotes.

Submissions (2):

Ambry Genetics
Classification: Uncertain significance for Inborn genetic diseases. Last evaluated: 2022-10-26. Review status: criteria provided, single submitter. Criteria: Ambry Variant Classification Scheme 2023. Collection method: clinical testing. Allele origin: germline.

Labcorp Genetics (formerly Invitae), Labcorp
Classification: Uncertain significance for Predisposition to invasive fungal disease due to CARD9 deficiency. Last evaluated: 2020-08-29. Review status: criteria provided, single submitter. Criteria: Invitae Variant Classification Sherloc (09022015). Collection method: clinical testing. Allele origin: germline.
Comment: In summary, the available evidence is currently insufficient to determine the role of this variant in disease. Therefore, it has been classified as a Variant of Uncertain Significance. Algorithms developed to predict the effect of missense changes on protein structure and function do not agree on the potential impact of this missense change (SIFT: "Deleterious"; PolyPhen-2: "Benign"; Align-GVGD: "Class C0"). This variant has not been reported in the literature in individuals with CARD9-related disease. This variant is present in population databases (rs143669690, ExAC 0.01%). This sequence change replaces glutamic acid with glutamine at codon 326 of the CARD9 protein (p.Glu326Gln). The glutamic acid residue is highly conserved and there is a small physicochemical difference between glutamic acid and glutamine.